The following is an entry in ClinVar:

ClinVar aggregate classification (germline): Pathogenic (1 of 4 stars; one submission).

Conditions:
Neurofibromatosis, type 1 (NF1). Also called: Peripheral type neurofibromatosis; VON RECKLINGHAUSEN DISEASE; NEUROFIBROMATOSIS, TYPE I, SOMATIC; Neurofibromatosis, type I. Identifiers: Orphanet 636, MedGen C0027831, MONDO:0018975, OMIM 162200. Disease mechanism: loss of function.

Submission:

MGZ Medical Genetics Center
Classification: Pathogenic for Neurofibromatosis, type 1. Last evaluated: 2022-08-10. Review status: criteria provided, single submitter. Criteria: ACMG Guidelines, 2015. Collection method: clinical testing. Allele origin: germline. Affected: yes. Observed: 1 variant allele.
Comment: ACMG criteria applied: PVS1, PM2_SUP, PP4

NM_001042492.3(NF1):c.1131del (p.Ile377fs)

Gene: NF1 (neurofibromin 1; plus strand). Cytogenetic location: 17q11.2.
Variant type: Deletion.
Coding change: c.1131del on transcript NM_001042492.3 (MANE Select); coding-DNA position 1131, one base deleted (T; older notation c.1131delT).
Protein change: p.Ile377fs; shifts the reading frame from isoleucine 377.
Molecular consequence: frameshift variant.
Genome position (GRCh38, 1-based): chr17:31,201,105, T deleted; the last of 2 consecutive T bases (chr17:31,201,104-31,201,105); deleting either gives the same sequence. VCF-style (leftmost placement, unchanged base first): chr17-31201103-AT-A. GRCh37 (hg19) VCF-style: chr17-29528121-AT-A.
Other names: c.1131delT, p.Ile377Metfs (NM_000267.4); c.1131del, p.Ile377fs (NM_001128147.3); short protein forms I377fs.
Identifiers: ClinVar variation 1709740 (VCV001709740.2), dbSNP rs2544797164, ClinGen allele CA2580092918.